The following is an entry in ClinVar:

NM_006129.5(BMP1):c.2482G>A (p.Glu828Lys)

Gene: BMP1 (bone morphogenetic protein 1; plus strand). Cytogenetic location: 8p21.3.
Variant type: single nucleotide variant.
Coding change: c.2482G>A on transcript NM_006129.5 (MANE Select); coding-DNA position 2482, G replaced by A.
Protein change: p.Glu828Lys; replaces glutamic acid 828 with lysine.
Molecular consequence: missense variant. On other transcripts: non-coding transcript variant (1).
Genome position (GRCh38, 1-based): chr8:22,207,423, G>A. VCF-style: chr8-22207423-G-A. GRCh37 (hg19) VCF-style: chr8-22064936-G-A.
Other names: c.2482G>A (NM_006129.4); short protein forms E828K.
Identifiers: ClinVar variation 1429036 (VCV001429036.4), dbSNP rs755631081, ClinGen allele CA4665266.

ClinVar aggregate classification (germline): Uncertain significance. Review status: criteria provided, multiple submitters, no conflicts (2 of 4 stars). 2 submissions from 2 submitters: Uncertain significance (2). Last evaluated 2025-10-14.

Conditions:
Inborn genetic diseases. Identifiers: MedGen C0950123, MeSH D030342.

Allele frequency attached by ClinVar (database versions not stated): gnomAD exomes 0.00002; ExAC 0.00001; TOPMed 0.00002.
gnomAD v4.1: 23 of 1,614,110 alleles (0.0014%); highest among the groups gnomAD compares: Non-Finnish European, 0.0017%; no homozygotes.

Submissions (2):

Ambry Genetics
Classification: Uncertain significance for Inborn genetic diseases. Last evaluated: 2025-10-14. Review status: criteria provided, single submitter. Criteria: Ambry Variant Classification Scheme 2023. Collection method: clinical testing. Allele origin: germline.

Labcorp Genetics (formerly Invitae), Labcorp
Classification: Uncertain significance. Last evaluated: 2021-12-01. Review status: criteria provided, single submitter. Criteria: Invitae Variant Classification Sherloc (09022015). Collection method: clinical testing. Allele origin: germline.
Comment: This sequence change replaces glutamic acid, which is acidic and polar, with lysine, which is basic and polar, at codon 828 of the BMP1 protein (p.Glu828Lys). This variant is present in population databases (rs755631081, gnomAD 0.003%). This variant has not been reported in the literature in individuals affected with BMP1-related conditions. Algorithms developed to predict the effect of missense changes on protein structure and function are either unavailable or do not agree on the potential impact of this missense change (SIFT: "Deleterious"; PolyPhen-2: "Benign"; Align-GVGD: "Class C55"). In summary, the available evidence is currently insufficient to determine the role of this variant in disease. Therefore, it has been classified as a Variant of Uncertain Significance.